The following is an entry in ClinVar:

ClinVar aggregate classification (germline): Likely benign. Review status: criteria provided, single submitter (1 of 4 stars). 2 submissions from 1 submitter: Likely benign (2). Last evaluated 2017-04-27.

Conditions:
ALS2-related disorder. Also called: ALS2-related condition; ALS2-related disorders; ALS2-Related Spectrum Disorders. Identifiers: MedGen CN169291.
Amyotrophic lateral sclerosis type 2, juvenile. Also called: ALS, JUVENILE; Amyotrophic lateral sclerosis type 2. Identifiers: Orphanet 300605, MedGen C1859807, MONDO:0008780, OMIM 205100.

Allele frequency attached by ClinVar (database versions not stated): gnomAD exomes 0.00103; gnomAD 0.00933 and 0.00995; TOPMed 0.01036; 1000 Genomes Project 0.01118; 1000 Genomes Project 30x 0.01156.
gnomAD v4.1: 1,429 of 174,906 alleles (0.82%); highest among the groups gnomAD compares: African/African-American, 3.2%; 20 homozygotes.

Submissions (2):

Illumina Laboratory Services, Illumina
Classification: Likely benign for ALS2-Related Disorders. Last evaluated: 2017-04-27. Review status: criteria provided, single submitter. Criteria: ICSL Variant Classification Criteria 13 December 2019. Collection method: clinical testing. Allele origin: germline.
Comment: This variant was observed as part of a predisposition screen in an ostensibly healthy population. A literature search was performed for the gene, cDNA change, and amino acid change (where applicable). No publications were found based on this search. Allele frequency data from public databases allowed determination this variant is unlikely to cause disease. Therefore, this variant is classified as likely benign.

Illumina Laboratory Services, Illumina
Classification: Likely benign for Amyotrophic lateral sclerosis type 2. Last evaluated: 2017-04-27. Review status: criteria provided, single submitter. Criteria: ICSL Variant Classification Criteria 13 December 2019. Collection method: clinical testing. Allele origin: germline.
Comment: the same text as in the submission from Illumina Laboratory Services, Illumina above.

NM_020919.4(ALS2):c.*379T>A

Gene: ALS2 (alsin Rho guanine nucleotide exchange factor ALS2; minus strand). Cytogenetic location: 2q33.1.
Variant type: single nucleotide variant.
Coding change: c.*379T>A on transcript NM_020919.4 (MANE Select); 379 bases downstream of the stop codon, T replaced by A.
Molecular consequence: 3 prime UTR variant.
Genome position (GRCh38, 1-based): chr2:201,701,472, A>T on the plus strand (T>A on the coding strand, the complement: ALS2 is on the minus strand). VCF-style: chr2-201701472-A-T. GRCh37 (hg19) VCF-style: chr2-202566195-A-T.
Identifiers: ClinVar variation 333579 (VCV000333579.5), dbSNP rs144613080, ClinGen allele CA10612035.